The following is an entry in ClinVar:

NM_005859.5(PURA):c.44T>C (p.Leu15Pro)

Gene: PURA (purine rich element binding protein A; plus strand). Cytogenetic location: 5q31.3.
Variant type: single nucleotide variant.
Coding change: c.44T>C on transcript NM_005859.5 (MANE Select); coding-DNA position 44, T replaced by C.
Protein change: p.Leu15Pro; replaces leucine 15 with proline.
Molecular consequence: missense variant.
Genome position (GRCh38, 1-based): chr5:140,114,225, T>C. VCF-style: chr5-140114225-T-C. GRCh37 (hg19) VCF-style: chr5-139493810-T-C.
Other names: short protein forms L15P.
Identifiers: ClinVar variation 1695141 (VCV001695141.31), dbSNP rs2126748545, ClinGen allele CA361489095.

ClinVar aggregate classification (germline): Uncertain significance (1 of 4 stars; one submission).

Submission:

CeGaT Center for Human Genetics Tuebingen
Classification: Uncertain significance. Last evaluated: 2022-06-01. Review status: criteria provided, single submitter. Criteria: CeGaT Center For Human Genetics Tuebingen Variant Classification Criteria Version 2. Collection method: clinical testing. Allele origin: germline. Affected: yes. Observed: 1 variant allele.
Comment: PURA: PM2, PP2